The following is an entry in ClinVar:

ClinVar aggregate classification (germline): Uncertain significance. Review status: criteria provided, multiple submitters, no conflicts (2 of 4 stars). 2 submissions from 2 submitters: Uncertain significance (2). Last evaluated 2024-09-23.

Conditions:
Inborn genetic diseases. Identifiers: MedGen C0950123, MeSH D030342.
Dyskeratosis congenita, autosomal dominant 6 (DKCA6). Identifiers: Orphanet 3322, MedGen C4225284, MONDO:0014690, OMIM 616553.

Submissions (2):

Ambry Genetics
Classification: Uncertain significance for Inborn genetic diseases. Last evaluated: 2024-09-23. Review status: criteria provided, single submitter. Criteria: Ambry Variant Classification Scheme 2023. Collection method: clinical testing. Allele origin: germline.
Comment: The p.G67R variant (also known as c.199G>A), located in coding exon 1 of the ACD gene, results from a G to A substitution at nucleotide position 199. The glycine at codon 67 is replaced by arginine, an amino acid with dissimilar properties. This amino acid position is conserved. In addition, this alteration is predicted to be tolerated by in silico analysis. Based on the available evidence, the clinical significance of this variant remains unclear.

Labcorp Genetics (formerly Invitae), Labcorp
Classification: Uncertain significance for Dyskeratosis congenita, autosomal dominant 6. Last evaluated: 2022-09-22. Review status: criteria provided, single submitter. Criteria: Invitae Variant Classification Sherloc (09022015). Collection method: clinical testing. Allele origin: germline.
Comment: In summary, the available evidence is currently insufficient to determine the role of this variant in disease. Therefore, it has been classified as a Variant of Uncertain Significance. Algorithms developed to predict the effect of missense changes on protein structure and function output the following: SIFT: "Deleterious"; PolyPhen-2: "Benign"; Align-GVGD: "Class C0". The arginine amino acid residue is found in multiple mammalian species, which suggests that this missense change does not adversely affect protein function. This variant has not been reported in the literature in individuals affected with ACD-related conditions. This variant is not present in population databases (gnomAD no frequency). This sequence change replaces glycine, which is neutral and non-polar, with arginine, which is basic and polar, at codon 67 of the ACD protein (p.Gly67Arg).

NC_000016.10:g.67660280C>T

Gene: ACD (ACD shelterin complex subunit and telomerase recruitment factor; minus strand). Cytogenetic location: 16q22.1.
Variant type: single nucleotide variant.
Genome position: GRCh38 VCF-style: chr16-67660280-C-T. GRCh37 (hg19) VCF-style: chr16-67694183-C-T.
Other names: short protein forms G67R.
Identifiers: ClinVar variation 1900625 (VCV001900625.5), dbSNP rs1208257080, ClinGen allele CA396359437.